The following is an entry in ClinVar:

NM_000038.6(APC):c.1408+1330del

Gene: APC (APC regulator of WNT signaling pathway; plus strand). Cytogenetic location: 5q22.2.
Variant type: Deletion.
Coding change: c.1408+1330del on transcript NM_000038.6 (MANE Select); 1330 bases into the intron after coding-DNA position 1408, one base deleted (C; older notation c.1408+1330delC).
Molecular consequence: intron variant. On other transcripts: frameshift variant (12).
Genome position (GRCh38, 1-based): chr5:112,823,321, C deleted; the last of 3 consecutive C bases (chr5:112,823,319-112,823,321); deleting any one gives the same sequence. VCF-style (leftmost placement, unchanged base first): chr5-112823318-AC-A. GRCh37 (hg19) VCF-style: chr5-112159015-AC-A.
Other names: c.1423del, p.Arg475fs (NM_001354896.2, NM_001407447.1, NM_001407448.1 and 1 more transcripts); c.1246del, p.Arg416fs (NM_001354900.2); c.1453del, p.Arg485fs (NM_001407446.1); c.1348del, p.Arg450fs (NM_001407451.1); c.1339del, p.Arg447fs (NM_001407452.1); c.1120del, p.Arg374fs (NM_001407454.1, NM_001407455.1, NM_001407456.1 and 1 more transcripts); c.559+1330del (NM_001407470.1, NM_001354906.2); c.256+1330del (NM_001407472.1, NM_001407471.1); and 11 more; short protein forms R374fs, R416fs, R447fs, R450fs, R475fs, R485fs.
Identifiers: ClinVar variation 3038689 (VCV003038689.2), dbSNP rs1213002821, ClinGen allele CA802034809.

ClinVar aggregate classification (germline): Uncertain significance (0 of 4 stars; one submission).

Conditions:
APC-related disorder. Also called: APC-related condition.

Submission:

PreventionGenetics, part of Exact Sciences
Classification: Uncertain significance for APC-related condition. Last evaluated: 2024-08-13. Review status: no assertion criteria provided. Collection method: clinical testing. Allele origin: germline.
Comment: The APC c.1246delC variant is predicted to result in a frameshift and premature protein termination (p.Arg416Glyfs*8). This variant corresponds to a deep intronic position in the primary transcript for this gene (NM_000038.6:c.1408+1330delC). To our knowledge, this variant has not been reported in the literature or in a large population database, indicating this variant is rare. At this time, the clinical significance of this variant is uncertain due to the absence of conclusive functional and genetic evidence.